The following is an entry in ClinVar:

ClinVar aggregate classification (germline): Pathogenic. Review status: criteria provided, multiple submitters, no conflicts (2 of 4 stars). 4 submissions from 4 submitters: Pathogenic (4). Last evaluated 2024-12-20.

Conditions:
Hereditary breast ovarian cancer syndrome. Also called: Hereditary breast and ovarian cancer syndrome (HBOC); Breast and ovarian cancer; Hereditary breast and ovarian cancer syndrome; Hereditary breast and ovarian cancer; BRCA1- and BRCA2-Associated Hereditary Breast and Ovarian Cancer; Hereditary breast and/or ovarian cancer syndrome. Identifiers: Orphanet 145, MedGen C0677776, MeSH D061325, MONDO:0003582. Disease mechanism: loss of function.
Breast-ovarian cancer, familial, susceptibility to, 1 (BROVCA1). Also called: BRCA1 Hereditary Breast and Ovarian Cancer; OVARIAN CANCER, SUSCEPTIBILITY TO. Identifiers: Orphanet 145, MedGen C2676676, MONDO:0011450, OMIM 604370. Disease mechanism: loss of function.
Hereditary cancer-predisposing syndrome. Also called: Hereditary Cancer Syndrome; Neoplastic Syndromes, Hereditary; Hereditary neoplastic syndrome; Tumor predisposition. Identifiers: Orphanet 140162, MedGen C0027672, MeSH D009386, MONDO:0015356.

Submissions (5):

Ambry Genetics
Classification: Pathogenic for Hereditary cancer-predisposing syndrome. Last evaluated: 2024-12-20. Review status: criteria provided, single submitter. Criteria: Ambry Variant Classification Scheme 2023. Collection method: clinical testing. Allele origin: germline.
Comment: The c.5075-2A>G intronic pathogenic mutation results from an A to G substitution two nucleotides upstream from coding exon 16 in the BRCA1 gene. This nucleotide position is highly conserved in available vertebrate species. In silico splice site analysis predicts that this alteration will weaken the native splice acceptor site. RNA studies have demonstrated this variant to result in the in-frame skipping of coding exon 16 (total exon 18); however the region impacted is critical for protein function (Ambry internal data; Wappenschmidt B et al. PLoS One, 2012 Dec;7:e50800; Houdayer C et al. Hum Mutat, 2012 Aug;33:1228-38). One functional study found that this nucleotide substitution is non-functional in a high throughput genome editing haploid cell survival assay (Findlay GM et al. Nature, 2018 Oct;562:217-222). This variant is considered to be rare based on population cohorts in the Genome Aggregation Database (gnomAD). Based on the supporting evidence, this variant is interpreted as a disease-causing mutation.

Labcorp Genetics (formerly Invitae), Labcorp
Classification: Pathogenic for Hereditary breast ovarian cancer syndrome. Last evaluated: 2023-07-08. Review status: criteria provided, single submitter. Criteria: Invitae Variant Classification Sherloc (09022015). Collection method: clinical testing. Allele origin: germline.
Comment: This sequence change affects an acceptor splice site in intron 16 of the BRCA1 gene. RNA analysis indicates that disruption of this splice site induces altered splicing and likely results in a shortened protein product. For these reasons, this variant has been classified as Pathogenic. This variant disrupts a region of the BRCA1 protein in which other variant(s) (p.Leu1705Pro) have been determined to be pathogenic (PMID: 10811118, 26951538, 30209399; Invitae). This suggests that this is a clinically significant region of the protein, and that variants that disrupt it are likely to be disease-causing. Studies have shown that disruption of this splice site results in skipping of 17, but is expected to preserve the integrity of the reading-frame (PMID: 22505045, 23239986). Experimental studies have shown that disruption of this splice site affects BRCA1 function (PMID: 30209399). Algorithms developed to predict the effect of variants on protein structure and function are not available or were not evaluated for this variant. ClinVar contains an entry for this variant (Variation ID: 252381). Disruption of this splice site has been observed in individual(s) with personal or family history of breast and/or ovarian cancer (PMID: 23239986, 24549055, 28111427, 29020732). This variant is not present in population databases (gnomAD no frequency).

Consortium of Investigators of Modifiers of BRCA1/2 (CIMBA), c/o University of Cambridge
Classification: Pathogenic for Breast-ovarian cancer, familial, susceptibility to, 1. Last evaluated: 2015-10-02. Review status: criteria provided, single submitter. Criteria: CIMBA Mutation Classification guidelines May 2016. Collection method: clinical testing. Allele origin: germline.

Quest Diagnostics Nichols Institute San Juan Capistrano
Classification: Pathogenic for Breast-ovarian cancer, familial, susceptibility to, 1. Last evaluated: 2015-09-22. Review status: criteria provided, single submitter. Criteria: Quest Diagnostics criteria. Collection method: clinical testing. Allele origin: germline. Inheritance: Autosomal dominant inheritance.

Brotman Baty Institute, University of Washington
No classification provided (evidence only). Condition: Breast-ovarian cancer, familial 1. Review status: no classification provided. Collection method: in vitro. Allele origin: not applicable. Functional consequence: functionally_abnormal. Not counted in ClinVar's aggregate classification.
ClinVar note: "not provided" was previously submitted as the classification for the variant. However, the classification appeared to be based only on an observation of functional data so it was converted to no classification on 2025-07-30.

Literature cited by the submitters: PubMed 22505045 (cited by Ambry Genetics and Labcorp Genetics (formerly Invitae), Labcorp); PubMed 23239986 (cited by 3 submitters); PubMed 30209399 (cited by Ambry Genetics and Labcorp Genetics (formerly Invitae), Labcorp); PubMed 10811118 (cited by Labcorp Genetics (formerly Invitae), Labcorp); PubMed 26951538 (cited by Labcorp Genetics (formerly Invitae), Labcorp); PubMed 24549055 (cited by Labcorp Genetics (formerly Invitae), Labcorp and Quest Diagnostics Nichols Institute San Juan Capistrano); PubMed 28111427 (cited by Labcorp Genetics (formerly Invitae), Labcorp); PubMed 29020732 (cited by Labcorp Genetics (formerly Invitae), Labcorp); PubMed 26295337 (cited by Quest Diagnostics Nichols Institute San Juan Capistrano).

NM_007294.4(BRCA1):c.5075-2A>G

Gene: BRCA1 (BRCA1 DNA repair associated; minus strand). Cytogenetic location: 17q21.31.
Variant type: single nucleotide variant.
Coding change: c.5075-2A>G on transcript NM_007294.4 (MANE Select); the canonical splice acceptor site of the intron before coding-DNA position 5075, A replaced by G.
Molecular consequence: splice acceptor variant. On other transcripts: intron variant (2).
Genome position (GRCh38, 1-based): chr17:43,063,953, T>C on the plus strand (A>G on the coding strand, the complement: BRCA1 is on the minus strand). VCF-style: chr17-43063953-T-C. GRCh37 (hg19) VCF-style: chr17-41215970-T-C.
Other names: c.5075-2A>G (NM_001407594.1, NM_001407593.1, NM_001407684.1 and 7 more transcripts); c.5138-2A>G (NM_001407583.1, NM_001407587.1, NM_001407585.1 and 1 more transcripts); c.4934-2A>G (NM_001407724.1, NM_001407697.1, NM_001407731.1 and 13 more transcripts); c.4928-2A>G (NM_001407838.1, NM_001407842.1, NM_001407846.1 and 12 more transcripts); c.1691-2A>G (NM_001408410.1); c.4931-2A>G (NM_001407741.1, NM_001407749.1, NM_001407943.1 and 21 more transcripts); c.1685-2A>G (NM_001408415.1, NM_001408412.1, NM_001408413.1 and 2 more transcripts); c.1553-2A>G (NM_001408483.1, NM_001408491.1, NM_001408481.1 and 5 more transcripts); and 73 more.
Identifiers: ClinVar variation 252381 (VCV000252381.15), dbSNP rs80358066, ClinGen allele CA10585907.